The following is an entry in ClinVar:

ClinVar aggregate classification (germline): Likely pathogenic (1 of 4 stars; one submission).

Conditions:
Ehlers-Danlos syndrome, periodontal type 1. Identifiers: Orphanet 75392, MedGen C4551499, MONDO:0020684, OMIM 130080.

Submission:

Neuberg Centre For Genomic Medicine, NCGM
Classification: Likely pathogenic for Ehlers-Danlos syndrome, periodontal type 1. Last evaluated: 2024-02-01. Review status: criteria provided, single submitter. Criteria: ACMG Guidelines, 2015. Collection method: clinical testing. Allele origin: germline. Inheritance: Autosomal dominant inheritance.
Comment: The observed missense variant c.925T>C(p.Cys309Arg) in C1R gene has not been reported previously as a pathogenic variant nor as a benign variant, to our knowledge. This variant is absent in gnomAD Exomes. Different amino acid change c.927C>G(p.Cys309Trp), c.926G>A(p.Cys309Tyr) as a known pathogenic variant has been reported. For these reasons, this variant has been classified as Likely Pathogenic.

NM_001733.7(C1R):c.925T>C (p.Cys309Arg)

Gene: C1R (complement C1r; minus strand). Cytogenetic location: 12p13.31.
Variant type: single nucleotide variant.
Coding change: c.925T>C on transcript NM_001733.7 (MANE Select); coding-DNA position 925, T replaced by C.
Protein change: p.Cys309Arg; replaces cysteine 309 with arginine.
Molecular consequence: missense variant.
Genome position (GRCh38, 1-based): chr12:7,088,723, A>G on the plus strand (T>C on the coding strand, the complement: C1R is on the minus strand). VCF-style: chr12-7088723-A-G. GRCh37 (hg19) VCF-style: chr12-7241319-A-G.
Other names: c.967T>C, p.Cys323Arg (NM_001354346.2); short protein forms C309R, C323R.
Identifiers: ClinVar variation 3898059 (VCV003898059.1).